The following is an entry in ClinVar:

ClinVar aggregate classification (germline): Uncertain significance. Review status: criteria provided, multiple submitters, no conflicts (2 of 4 stars). 2 submissions from 2 submitters: Uncertain significance (2). Last evaluated 2025-09-28.

Conditions:
Autosomal dominant childhood-onset proximal spinal muscular atrophy with contractures (SMALED2A). Also called: Spinal muscular atrophy, lower extremity-predominant, 2A, autosomal dominant; SPINAL MUSCULAR ATROPHY, LOWER EXTREMITY-PREDOMINANT, 2A, CHILDHOOD ONSET, AUTOSOMAL DOMINANT. Identifiers: Orphanet 363447, Orphanet 363454, MedGen C4747715, MONDO:0014121, OMIM 615290.
Inborn genetic diseases. Identifiers: MedGen C0950123, MeSH D030342.

gnomAD v4.1: 4 of 1,606,618 alleles (0.00025%); highest among the groups gnomAD compares: East Asian, 0.0022%; no homozygotes.

Submissions (2):

Ambry Genetics
Classification: Uncertain significance for Inborn genetic diseases. Last evaluated: 2025-09-28. Review status: criteria provided, single submitter. Criteria: Ambry Variant Classification Scheme 2023. Collection method: clinical testing. Allele origin: germline.

Labcorp Genetics (formerly Invitae), Labcorp
Classification: Uncertain significance for Autosomal dominant childhood-onset proximal spinal muscular atrophy with contractures. Last evaluated: 2024-09-27. Review status: criteria provided, single submitter. Criteria: Invitae Variant Classification Sherloc (09022015). Collection method: clinical testing. Allele origin: germline.
Comment: This sequence change replaces glutamic acid, which is acidic and polar, with lysine, which is basic and polar, at codon 576 of the BICD2 protein (p.Glu576Lys). This variant is not present in population databases (gnomAD no frequency). This variant has not been reported in the literature in individuals affected with BICD2-related conditions. Invitae Evidence Modeling of protein sequence and biophysical properties (such as structural, functional, and spatial information, amino acid conservation, physicochemical variation, residue mobility, and thermodynamic stability) indicates that this missense variant is not expected to disrupt BICD2 protein function with a negative predictive value of 80%. In summary, the available evidence is currently insufficient to determine the role of this variant in disease. Therefore, it has been classified as a Variant of Uncertain Significance.

NM_001003800.2(BICD2):c.1726G>A (p.Glu576Lys)

Gene: BICD2 (BICD cargo adaptor 2; minus strand). Cytogenetic location: 9q22.31.
Variant type: single nucleotide variant.
Coding change: c.1726G>A on transcript NM_001003800.2 (MANE Select); coding-DNA position 1726, G replaced by A.
Protein change: p.Glu576Lys; replaces glutamic acid 576 with lysine.
Molecular consequence: missense variant.
Genome position (GRCh38, 1-based): chr9:92,718,919, C>T on the plus strand (G>A on the coding strand, the complement: BICD2 is on the minus strand). VCF-style: chr9-92718919-C-T. GRCh37 (hg19) VCF-style: chr9-95481201-C-T.
Other names: c.1726G>A, p.Glu576Lys (NM_015250.4); c.1726G>A (NM_001003800.1); short protein forms E576K.
Identifiers: ClinVar variation 3703718 (VCV003703718.3).